The following is an entry in ClinVar:

ClinVar aggregate classification (germline): Likely benign. Review status: criteria provided, multiple submitters, no conflicts (2 of 4 stars). 3 submissions from 3 submitters: Likely benign (3). Last evaluated 2025-12-19.

Conditions:
Malignant hyperthermia, susceptibility to, 1 (MHS1). Also called: RYR1-Related Malignant Hyperthermia Susceptibility; Anesthesia related hyperthermia; Malignant hyperpyrexia; Fulminating hyperpyrexia; Pharmacogenic myopathy; Malignant hyperthermia suceptibility 1. Identifiers: Orphanet 423, MedGen C2930980, MONDO:0007783, OMIM 145600.
RYR1-related disorder. Also called: RYR1-related disorders; RYR1-related condition. Identifiers: MedGen CN239331.

Allele frequency attached by ClinVar (database versions not stated): TOPMed 0.00001.
gnomAD v4.1: 13 of 1,614,194 alleles (0.00081%); highest among the groups gnomAD compares: East Asian, 0.0022%; no homozygotes.

Submissions (3):

Labcorp Genetics (formerly Invitae), Labcorp
Classification: Likely benign for RYR1-related disorder. Last evaluated: 2025-12-19. Review status: criteria provided, single submitter. Criteria: Invitae Variant Classification Sherloc (09022015). Collection method: clinical testing. Allele origin: germline.

CeGaT Center for Human Genetics Tuebingen
Classification: Likely benign. Last evaluated: 2024-10-01. Review status: criteria provided, single submitter. Criteria: CeGaT Center For Human Genetics Tuebingen Variant Classification Criteria Version 2. Collection method: clinical testing. Allele origin: germline. Affected: yes. Observed: 1 variant allele.
Comment: RYR1: BP4, BP7

All of Us Research Program, National Institutes of Health
Classification: Likely benign for Malignant hyperthermia, susceptibility to, 1. Last evaluated: 2023-10-30. Review status: criteria provided, single submitter. Criteria: ACMG Guidelines, 2015. Collection method: clinical testing. Allele origin: germline. Inheritance: Autosomal dominant inheritance. Observed: 2 variant alleles, 2 heterozygotes.
Comment: This study involves interpretation of variants in research participants for the purpose of population health screening. Participant phenotype was not available at the time of variant classification. Additional details can be found in publication PMID: 35346344, PMCID: PMC8962531

NM_000540.3(RYR1):c.9309C>T (p.Ile3103=)

Gene: RYR1 (ryanodine receptor 1; plus strand). Cytogenetic location: 19q13.2.
Variant type: single nucleotide variant.
Coding change: c.9309C>T on transcript NM_000540.3 (MANE Select); coding-DNA position 9309, C replaced by T.
Protein change: p.Ile3103=; no amino-acid change (isoleucine 3103 retained).
Molecular consequence: synonymous variant.
Genome position (GRCh38, 1-based): chr19:38,512,320, C>T. VCF-style: chr19-38512320-C-T. GRCh37 (hg19) VCF-style: chr19-39002960-C-T.
Other names: c.9309C>T, p.Ile3103= (NM_001042723.2).
Identifiers: ClinVar variation 544462 (VCV000544462.25), dbSNP rs773236495, ClinGen allele CA073482.